The following is an entry in ClinVar:

NM_001252102.2(KIF21B):c.470A>C (p.Asp157Ala)

Gene: KIF21B (kinesin family member 21B; minus strand). Cytogenetic location: 1q32.1.
Variant type: single nucleotide variant.
Coding change: c.470A>C on transcript NM_001252102.2 (MANE Select); coding-DNA position 470, A replaced by C.
Protein change: p.Asp157Ala; replaces aspartic acid 157 with alanine.
Molecular consequence: missense variant.
Genome position (GRCh38, 1-based): chr1:201,005,672, T>G on the plus strand (A>C on the coding strand, the complement: KIF21B is on the minus strand). VCF-style: chr1-201005672-T-G. GRCh37 (hg19) VCF-style: chr1-200974800-T-G.
Other names: c.470A>C, p.Asp157Ala (NM_001252100.2, NM_001252103.2, NM_017596.4); short protein forms D157A.
Identifiers: ClinVar variation 4528220 (VCV004528220.1).

ClinVar aggregate classification (germline): Uncertain significance (1 of 4 stars; one submission).

gnomAD v4.1: 1 of 1,614,088 alleles (0.000062%); highest among the groups gnomAD compares: Non-Finnish European, 0.000085%; no homozygotes.

Submission:

GeneDx
Classification: Uncertain significance. Last evaluated: 2025-05-08. Review status: criteria provided, single submitter. Criteria: GeneDx Variant Classification Process June 2021. Collection method: clinical testing. Allele origin: germline. Affected: yes.
Comment: Not observed at significant frequency in large population cohorts (gnomAD); In silico analysis supports that this missense variant has a deleterious effect on protein structure/function; Has not been previously published as pathogenic or benign to our knowledge